The following is an entry in ClinVar:

NM_001128840.3(CACNA1D):c.1067C>G (p.Thr356Ser)

Gene: CACNA1D (calcium voltage-gated channel subunit alpha1 D; plus strand). Cytogenetic location: 3p21.1.
Variant type: single nucleotide variant.
Coding change: c.1067C>G on transcript NM_001128840.3 (MANE Select); coding-DNA position 1067, C replaced by G.
Protein change: p.Thr356Ser; replaces threonine 356 with serine.
Molecular consequence: missense variant.
Genome position (GRCh38, 1-based): chr3:53,666,486, C>G. VCF-style: chr3-53666486-C-G. GRCh37 (hg19) VCF-style: chr3-53700513-C-G.
Other names: c.1067C>G, p.Thr356Ser (NM_000720.4, NM_001128839.3); short protein forms T356S.
Identifiers: ClinVar variation 2632220 (VCV002632220.1), dbSNP rs2473029600, ClinGen allele CA353383615.

ClinVar aggregate classification (germline): Uncertain significance (1 of 4 stars; one submission).

Conditions:
CACNA1D-related disorder.

Allele frequency attached by ClinVar (database versions not stated): gnomAD exomes 0.00001.
gnomAD v4.1: 5 of 1,614,202 alleles (0.00031%); highest among the groups gnomAD compares: Non-Finnish European, 0.00042%; no homozygotes.

Submission:

PreventionGenetics, part of Exact Sciences
Classification: Uncertain significance for CACNA1D-related condition. Last evaluated: 2023-06-08. Review status: criteria provided, single submitter. Criteria: ACMG Guidelines, 2015. Collection method: clinical testing. Allele origin: germline.
Comment: The CACNA1D c.1067C>G variant is predicted to result in the amino acid substitution p.Thr356Ser. To our knowledge, this variant has not been reported in the literature or in a large population database, indicating this variant is rare. At this time, the clinical significance of this variant is uncertain due to the absence of conclusive functional and genetic evidence.